The following is an entry in ClinVar:

NM_152564.5(VPS13B):c.8793-4A>T

Gene: VPS13B (vacuolar protein sorting 13 homolog B; plus strand). Cytogenetic location: 8q22.2.
Variant type: single nucleotide variant.
Coding change: c.8793-4A>T on transcript NM_152564.5 (MANE Select); 4 bases into the intron before coding-DNA position 8793, A replaced by T.
Molecular consequence: intron variant.
Genome position (GRCh38, 1-based): chr8:99,819,917, A>T. VCF-style: chr8-99819917-A-T. GRCh37 (hg19) VCF-style: chr8-100832145-A-T.
Other names: c.8793-4A>T (NM_152564.4); c.8868-4A>T (NM_017890.5).
Identifiers: ClinVar variation 1156641 (VCV001156641.11), dbSNP rs1158582777, ClinGen allele CA583884759.
Genomic context (GRCh38, chr8:99,819,917, plus strand): 5'-ATATTTCACAAATATTAAAGTTATCATATTTCATTGAGTCTCTTGGATGTGGTTTTTGGA[A>T]CAGGAATGAACAGCTAAGTCAGTGGGATAGCCCAATGCGAGTGAAGCTGTCAATCTGGAA-3'

ClinVar aggregate classification (germline): Likely benign. Review status: criteria provided, single submitter (1 of 4 stars). 2 submissions from 2 submitters: Likely benign (1). 1 of the submissions does not count toward it. Last evaluated 2024-03-12.

Conditions:
Cohen syndrome (COH1). Also called: PEPPER SYNDROME; Cutis verticis gyrata, retinitis pigmentosa, and sensorineural deafness. Identifiers: Orphanet 193, MedGen C0265223, MONDO:0008999, OMIM 216550.
VPS13B-related disorder. Also called: VPS13B-related condition.

Allele frequency attached by ClinVar (database versions not stated): gnomAD exomes 0.00001 and 0.00002; gnomAD 0.00002.
gnomAD v4.1: 22 of 1,613,896 alleles (0.0014%); highest among the groups gnomAD compares: South Asian, 0.024%; no homozygotes.

Submissions (2):

Labcorp Genetics (formerly Invitae), Labcorp
Classification: Likely benign for Cohen syndrome. Last evaluated: 2024-03-12. Review status: criteria provided, single submitter. Criteria: Invitae Variant Classification Sherloc (09022015). Collection method: clinical testing. Allele origin: germline.

PreventionGenetics, part of Exact Sciences
Classification: Likely benign for VPS13B-related condition. Last evaluated: 2023-09-13. Review status: no assertion criteria provided. Collection method: clinical testing. Allele origin: germline. Not counted in ClinVar's aggregate classification.
Comment: This variant is classified as likely benign based on ACMG/AMP sequence variant interpretation guidelines (Richards et al. 2015 PMID: 25741868, with internal and published modifications).